The following is an entry in ClinVar:

ClinVar aggregate classification (germline): Uncertain significance (1 of 4 stars; one submission).

Conditions:
Inborn genetic diseases. Identifiers: MedGen C0950123, MeSH D030342.

gnomAD v4.1: 1 of 1,614,014 alleles (0.000062%); highest among the groups gnomAD compares: Non-Finnish European, 0.000085%; no homozygotes.

Submission:

Ambry Genetics
Classification: Uncertain significance for Inborn genetic diseases. Last evaluated: 2025-03-20. Review status: criteria provided, single submitter. Criteria: Ambry Variant Classification Scheme 2023. Collection method: clinical testing. Allele origin: germline.
Comment: The p.Y47F variant (also known as c.140A>T), located in coding exon 1 of the G6PC3 gene, results from an A to T substitution at nucleotide position 140. The tyrosine at codon 47 is replaced by phenylalanine, an amino acid with highly similar properties. This amino acid position is conserved. In addition, this alteration is predicted to be tolerated by in silico analysis. Based on the available evidence, the clinical significance of this variant remains unclear.

NM_138387.4(G6PC3):c.140A>T (p.Tyr47Phe)

Genes: G6PC3 (glucose-6-phosphatase catalytic subunit 3; plus strand), LOC130060959 (ATAC-STARR-seq lymphoblastoid active region 12250; plus strand). Cytogenetic location: 17q21.31.
Variant type: single nucleotide variant.
Coding change: c.140A>T on transcript NM_138387.4 (MANE Select); coding-DNA position 140, A replaced by T.
Protein change: p.Tyr47Phe; replaces tyrosine 47 with phenylalanine.
Molecular consequence: missense variant. On other transcripts: 5 prime UTR variant (3), intron variant (1).
Genome position (GRCh38, 1-based): chr17:44,071,105, A>T. VCF-style: chr17-44071105-A-T. GRCh37 (hg19) VCF-style: chr17-42148473-A-T.
Other names: c.140A>T, p.Tyr47Phe (NM_001319945.2); c.-265A>T (NM_001384165.1); c.-400A>T (NM_001384166.1); c.-390A>T (NM_001384167.1); c.-312+391A>T (NM_001384168.1); short protein forms Y47F.
Identifiers: ClinVar variation 4027559 (VCV004027559.1).